The following is an entry in ClinVar:

NM_054021.2(GPR101):c.1506C>T (p.Tyr502=)

Gene: GPR101 (G protein-coupled receptor 101; minus strand). Cytogenetic location: Xq26.3.
Variant type: single nucleotide variant.
Coding change: c.1506C>T on transcript NM_054021.2 (MANE Select); coding-DNA position 1506, C replaced by T.
Protein change: p.Tyr502=; no amino-acid change (tyrosine 502 retained).
Molecular consequence: synonymous variant.
Genome position (GRCh38, 1-based): chrX:137,030,169, G>A on the plus strand (C>T on the coding strand, the complement: GPR101 is on the minus strand). VCF-style: chrX-137030169-G-A. GRCh37 (hg19) VCF-style: chrX-136112328-G-A.
Identifiers: ClinVar variation 751974 (VCV000751974.10), dbSNP rs150021829, ClinGen allele CA10529045.

ClinVar aggregate classification (germline): Benign/Likely benign. Review status: criteria provided, multiple submitters, no conflicts (2 of 4 stars). 2 submissions from 2 submitters: Benign (1); Likely benign (1). Last evaluated 2026-05-01.

Allele frequency attached by ClinVar (database versions not stated): gnomAD 0.00007 and 0.00008; ESP Exome Variant Server 0.00009; TOPMed 0.00030; ExAC 0.00063; gnomAD exomes 0.00063.
gnomAD v4.1: 132 of 1,183,838 alleles (0.011%); highest among the groups gnomAD compares: Admixed American, 0.3%; 2 homozygotes.

Submissions (2):

CeGaT Center for Human Genetics Tuebingen
Classification: Likely benign. Last evaluated: 2026-05-01. Review status: criteria provided, single submitter. Criteria: CeGaT Center For Human Genetics Tuebingen Variant Classification Criteria Version 2. Collection method: clinical testing. Allele origin: germline. Affected: yes. Observed: 2 variant alleles.
Comment: GPR101: BP4, BP7, BS2

Labcorp Genetics (formerly Invitae), Labcorp
Classification: Benign. Last evaluated: 2025-07-23. Review status: criteria provided, single submitter. Criteria: Invitae Variant Classification Sherloc (09022015). Collection method: clinical testing. Allele origin: germline.